The following is an entry in ClinVar:

ClinVar aggregate classification (germline): Uncertain significance (1 of 4 stars; one submission).

Conditions:
Hereditary cancer-predisposing syndrome. Also called: Tumor predisposition; Hereditary neoplastic syndrome; Hereditary Cancer Syndrome; Neoplastic Syndromes, Hereditary. Identifiers: Orphanet 140162, MedGen C0027672, MeSH D009386, MONDO:0015356.

gnomAD v4.1: 1 of 1,614,162 alleles (0.000062%); highest among the groups gnomAD compares: Non-Finnish European, 0.000085%; no homozygotes.

Submission:

Ambry Genetics
Classification: Uncertain significance for Hereditary cancer-predisposing syndrome. Last evaluated: 2023-09-25. Review status: criteria provided, single submitter. Criteria: Ambry Variant Classification Scheme 2023. Collection method: clinical testing. Allele origin: germline.
Comment: The p.I931V variant (also known as c.2791A>G), located in coding exon 20 of the MSH3 gene, results from an A to G substitution at nucleotide position 2791. The isoleucine at codon 931 is replaced by valine, an amino acid with highly similar properties. This amino acid position is conserved. In addition, this alteration is predicted to be tolerated by in silico analysis. Since supporting evidence is limited at this time, the clinical significance of this alteration remains unclear.

NM_002439.5(MSH3):c.2791A>G (p.Ile931Val)

Gene: MSH3 (mutS homolog 3; plus strand). Cytogenetic location: 5q14.1.
Variant type: single nucleotide variant.
Coding change: c.2791A>G on transcript NM_002439.5 (MANE Select); coding-DNA position 2791, A replaced by G.
Protein change: p.Ile931Val; replaces isoleucine 931 with valine.
Molecular consequence: missense variant.
Genome position (GRCh38, 1-based): chr5:80,813,719, A>G. VCF-style: chr5-80813719-A-G. GRCh37 (hg19) VCF-style: chr5-80109538-A-G.
Other names: short protein forms I931V.
Identifiers: ClinVar variation 3222277 (VCV003222277.1), dbSNP rs1745050256, ClinGen allele CA360274080.